The following is an entry in ClinVar:

NM_138711.6(PPARG):c.1084A>G (p.Met362Val)

Gene: PPARG (peroxisome proliferator activated receptor gamma; plus strand). Cytogenetic location: 3p25.2.
Variant type: single nucleotide variant.
Coding change: c.1084A>G on transcript NM_138711.6 (MANE Select); coding-DNA position 1084, A replaced by G.
Protein change: p.Met362Val; replaces methionine 362 with valine.
Molecular consequence: missense variant. On other transcripts: intron variant (5).
Genome position (GRCh38, 1-based): chr3:12,417,058, A>G. VCF-style: chr3-12417058-A-G. GRCh37 (hg19) VCF-style: chr3-12458557-A-G.
Other names: c.1084A>G, p.Met362Val (NM_001354666.3, NM_001354667.3, NM_001374263.2 and 3 more transcripts); c.457A>G, p.Met153Val (NM_001354669.2); c.1174A>G, p.Met392Val (NM_015869.5); c.729+10977A>G (NM_001374261.3, NM_001374262.3, NM_001330615.4); c.653+11059A>G (NM_001374266.1); c.819+10977A>G (NM_001374265.1); short protein forms M153V, M362V, M392V.
Identifiers: ClinVar variation 2766535 (VCV002766535.3), dbSNP rs2051087905, ClinGen allele CA351619892.
Genomic context (GRCh38, chr3:12,417,058, plus strand): 5'-GGCCAAGGCTTCATGACAAGGGAGTTTCTAAAGAGCCTGCGAAAGCCTTTTGGTGACTTT[A>G]TGGAGCCCAAGTTTGAGTTTGCTGTGAAGTTCAATGCACTGGAATTAGATGACAGCGACT-3'
Protein context (NP_619725.3, residues 352-372): KSLRKPFGDF[Met362Val]EPKFEFAVKF

ClinVar aggregate classification (germline): Uncertain significance (1 of 4 stars; one submission).

Allele frequency attached by ClinVar (database versions not stated): gnomAD exomes below 0.00001; TOPMed below 0.00001.
gnomAD v4.1: 1 of 1,613,404 alleles (0.000062%); highest among the groups gnomAD compares: Non-Finnish European, 0.000085%; no homozygotes.

Submission:

Labcorp Genetics (formerly Invitae), Labcorp
Classification: Uncertain significance. Last evaluated: 2023-12-26. Review status: criteria provided, single submitter. Criteria: Invitae Variant Classification Sherloc (09022015). Collection method: clinical testing. Allele origin: germline.
Comment: This sequence change replaces methionine, which is neutral and non-polar, with valine, which is neutral and non-polar, at codon 392 of the PPARG protein (p.Met392Val). This variant is not present in population databases (gnomAD no frequency). This variant has not been reported in the literature in individuals affected with PPARG-related conditions. Advanced modeling of protein sequence and biophysical properties (such as structural, functional, and spatial information, amino acid conservation, physicochemical variation, residue mobility, and thermodynamic stability) performed at Invitae indicates that this missense variant is not expected to disrupt PPARG protein function with a negative predictive value of 80%. In summary, the available evidence is currently insufficient to determine the role of this variant in disease. Therefore, it has been classified as a Variant of Uncertain Significance.